The following is an entry in ClinVar:

NM_001379291.1(BRD4):c.2861C>T (p.Pro954Leu)

Gene: BRD4 (bromodomain containing 4; minus strand). Cytogenetic location: 19p13.12.
Variant type: single nucleotide variant.
Coding change: c.2861C>T on transcript NM_001379291.1 (MANE Select); coding-DNA position 2861, C replaced by T.
Protein change: p.Pro954Leu; replaces proline 954 with leucine.
Molecular consequence: missense variant.
Genome position (GRCh38, 1-based): chr19:15,243,208, G>A on the plus strand (C>T on the coding strand, the complement: BRD4 is on the minus strand). VCF-style: chr19-15243208-G-A. GRCh37 (hg19) VCF-style: chr19-15354019-G-A.
Other names: c.2861C>T, p.Pro954Leu (NM_058243.3); short protein forms P954L.
Identifiers: ClinVar variation 1714322 (VCV001714322.5), dbSNP rs2512711692, ClinGen allele CA404504447.

ClinVar aggregate classification (germline): Uncertain significance (1 of 4 stars; one submission).

gnomAD v4.1: 1 of 812,168 alleles (0.00012%); no homozygotes.

Submission:

Labcorp Genetics (formerly Invitae), Labcorp
Classification: Uncertain significance. Last evaluated: 2025-08-11. Review status: criteria provided, single submitter. Criteria: Invitae Variant Classification Sherloc (09022015). Collection method: clinical testing. Allele origin: germline.
Comment: This sequence change replaces proline, which is neutral and non-polar, with leucine, which is neutral and non-polar, at codon 954 of the BRD4 protein (p.Pro954Leu). This variant is not present in population databases (gnomAD no frequency). This variant has not been reported in the literature in individuals affected with BRD4-related conditions. ClinVar contains an entry for this variant (Variation ID: 1714322). An algorithm developed to predict the effect of missense changes on protein structure and function (PolyPhen-2) suggests that this variant is likely to be disruptive. In summary, the available evidence is currently insufficient to determine the role of this variant in disease. Therefore, it has been classified as a Variant of Uncertain Significance.